The following is an entry in ClinVar:

ClinVar aggregate classification (germline): Uncertain significance (1 of 4 stars; one submission).

Conditions:
Hereditary cancer-predisposing syndrome. Also called: Neoplastic Syndromes, Hereditary; Tumor predisposition; Hereditary Cancer Syndrome; Hereditary neoplastic syndrome. Identifiers: Orphanet 140162, MedGen C0027672, MeSH D009386, MONDO:0015356.

gnomAD v4.1: 1 of 1,614,064 alleles (0.000062%); highest among the groups gnomAD compares: Non-Finnish European, 0.000085%; no homozygotes.

Submission:

Ambry Genetics
Classification: Uncertain significance for Hereditary cancer-predisposing syndrome. Last evaluated: 2025-07-07. Review status: criteria provided, single submitter. Criteria: Ambry Variant Classification Scheme 2023. Collection method: clinical testing. Allele origin: germline.
Comment: The p.T1245S variant (also known as c.3734C>G), located in coding exon 18 of the BLM gene, results from a C to G substitution at nucleotide position 3734. The threonine at codon 1245 is replaced by serine, an amino acid with similar properties. This amino acid position is conserved. In addition, the in silico prediction for this alteration is inconclusive. Based on the available evidence, the clinical significance of this variant remains unclear.

NM_000057.4(BLM):c.3734C>G (p.Thr1245Ser)

Gene: BLM (BLM RecQ like helicase; plus strand). Cytogenetic location: 15q26.1.
Variant type: single nucleotide variant.
Coding change: c.3734C>G on transcript NM_000057.4 (MANE Select); coding-DNA position 3734, C replaced by G.
Protein change: p.Thr1245Ser; replaces threonine 1245 with serine.
Molecular consequence: missense variant. On other transcripts: intron variant (1).
Genome position (GRCh38, 1-based): chr15:90,804,342, C>G. VCF-style: chr15-90804342-C-G. GRCh37 (hg19) VCF-style: chr15-91347572-C-G.
Other names: c.3734C>G, p.Thr1245Ser (NM_001287246.2); c.2609C>G, p.Thr870Ser (NM_001287248.2); c.3359-4795C>G (NM_001287247.2); short protein forms T1245S, T870S.
Identifiers: ClinVar variation 4211695 (VCV004211695.1).